The following is an entry in ClinVar:

NM_001165963.4(SCN1A):c.1750G>A (p.Val584Met)

Gene: SCN1A (sodium voltage-gated channel alpha subunit 1; minus strand). Cytogenetic location: 2q24.3.
Variant type: single nucleotide variant.
Coding change: c.1750G>A on transcript NM_001165963.4 (MANE Select); coding-DNA position 1750, G replaced by A.
Protein change: p.Val584Met; replaces valine 584 with methionine.
Molecular consequence: missense variant. On other transcripts: 5 prime UTR variant (1), non-coding transcript variant (1).
Genome position (GRCh38, 1-based): chr2:166,043,962, C>T on the plus strand (G>A on the coding strand, the complement: SCN1A is on the minus strand). VCF-style: chr2-166043962-C-T. GRCh37 (hg19) VCF-style: chr2-166900472-C-T.
Other names: c.1750G>A, p.Val584Met (NM_001165964.3, NM_001202435.3, NM_001353948.2 and 7 more transcripts); c.1747G>A, p.Val583Met (NM_001353954.2, NM_001353955.2, NM_001353960.2); c.-676G>A (NM_001353961.2); short protein forms V584M, V583M.
Identifiers: ClinVar variation 3003145 (VCV003003145.3), dbSNP rs1446864595, ClinGen allele CA349067834.

ClinVar aggregate classification (germline): Uncertain significance (1 of 4 stars; one submission).

Conditions:
Early-infantile DEE. Also called: Early infantile epileptic encephalopathy with suppression bursts; Ohtahara syndrome; Early infantile epileptic encephalopathy. Identifiers: Orphanet 1934, MedGen C0393706, MONDO:0800491.

Allele frequency attached by ClinVar (database versions not stated): gnomAD exomes below 0.00001.
gnomAD v4.1: 2 of 1,614,178 alleles (0.00012%); highest among the groups gnomAD compares: South Asian, 0.0011%; no homozygotes.

Submission:

Labcorp Genetics (formerly Invitae), Labcorp
Classification: Uncertain significance for Early-infantile DEE. Last evaluated: 2024-05-09. Review status: criteria provided, single submitter. Criteria: Invitae Variant Classification Sherloc (09022015). Collection method: clinical testing. Allele origin: germline.
Comment: This sequence change replaces valine, which is neutral and non-polar, with methionine, which is neutral and non-polar, at codon 584 of the SCN1A protein (p.Val584Met). This variant is present in population databases (no rsID available, gnomAD 0.003%). This variant has not been reported in the literature in individuals affected with SCN1A-related conditions. Advanced modeling of protein sequence and biophysical properties (such as structural, functional, and spatial information, amino acid conservation, physicochemical variation, residue mobility, and thermodynamic stability) performed at Invitae indicates that this missense variant is not expected to disrupt SCN1A protein function with a negative predictive value of 95%. In summary, the available evidence is currently insufficient to determine the role of this variant in disease. Therefore, it has been classified as a Variant of Uncertain Significance.